The following is an entry in ClinVar:

ClinVar aggregate classification (germline): Likely benign. Review status: criteria provided, single submitter (1 of 4 stars). 2 submissions from 2 submitters: Likely benign (1). 1 of the submissions does not count toward it. Last evaluated 2026-01-19.

Conditions:
SLC19A3-related disorder. Also called: SLC19A3-related condition.
Biotin-responsive basal ganglia disease (BTBGD). Also called: Thiamine metabolism dysfunction syndrome 2 (biotin- or thiamine-responsive encephalopathy type 2); thiamine-responsive encephalopathy; Thiamine metabolism dysfunction syndrome type 2; Thiamine Transporter-2 Deficiency; THIAMINE METABOLISM DYSFUNCTION SYNDROME 2 (BIOTIN- AND THIAMINE-RESPONSIVE TYPE). Identifiers: Orphanet 199348, Orphanet 65284, MedGen C1843807, MONDO:0011841, OMIM 607483.

Allele frequency attached by ClinVar (database versions not stated): gnomAD exomes 0.00001 and 0.00003; ExAC 0.00002; gnomAD 0.00016 and 0.00019; TOPMed 0.00018; ESP Exome Variant Server 0.00023.
gnomAD v4.1: 41 of 1,614,080 alleles (0.0025%); highest among the groups gnomAD compares: African/African-American, 0.051%; no homozygotes.

Submissions (2):

Labcorp Genetics (formerly Invitae), Labcorp
Classification: Likely benign for Biotin-responsive basal ganglia disease. Last evaluated: 2026-01-19. Review status: criteria provided, single submitter. Criteria: Invitae Variant Classification Sherloc (09022015). Collection method: clinical testing. Allele origin: germline.

PreventionGenetics, part of Exact Sciences
Classification: Likely benign for SLC19A3-related condition. Last evaluated: 2024-06-06. Review status: no assertion criteria provided. Collection method: clinical testing. Allele origin: germline. Not counted in ClinVar's aggregate classification.
Comment: This variant is classified as likely benign based on ACMG/AMP sequence variant interpretation guidelines (Richards et al. 2015 PMID: 25741868, with internal and published modifications).

NM_025243.4(SLC19A3):c.870A>G (p.Ala290=)

Gene: SLC19A3 (solute carrier family 19 member 3; minus strand). Cytogenetic location: 2q36.3.
Variant type: single nucleotide variant.
Coding change: c.870A>G on transcript NM_025243.4 (MANE Select); coding-DNA position 870, A replaced by G.
Protein change: p.Ala290=; no amino-acid change (alanine 290 retained).
Molecular consequence: synonymous variant.
Genome position (GRCh38, 1-based): chr2:227,698,845, T>C on the plus strand (A>G on the coding strand, the complement: SLC19A3 is on the minus strand). VCF-style: chr2-227698845-T-C. GRCh37 (hg19) VCF-style: chr2-228563561-T-C.
Identifiers: ClinVar variation 533551 (VCV000533551.12), dbSNP rs141190841, ClinGen allele CA2149222.
Genomic context (GRCh38, chr2:227,698,845, plus strand): 5'-TTGGGATGGCGCCTTGTAATCCCACAGGATTTGAACATAGTTCAAAACCTGGTTAAAACC[T>C]GCTGTGGCGAAAGCCCACCATAGAGACCAGTAGAAAAGACGTTTTGAGGAGTAGCACTCC-3'
Protein context (NP_079519.1, residues 280-300): YWSLWWAFAT[Ala290=]GFNQVLNYVQ